The following is an entry in ClinVar:

ClinVar aggregate classification (germline): Conflicting classifications of pathogenicity. Review status: criteria provided, conflicting classifications (1 of 4 stars). 2 submissions from 2 submitters: Likely pathogenic (1); Uncertain significance (1). Last evaluated 2023-05-05.

Conditions:
Dystonia 12 (DYT12). Also called: DYT-ATP1A3; Rapid-Onset Dystonia-Parkinsonism (RDP). Identifiers: Orphanet 71517, MedGen C1868681, MONDO:0007496, OMIM 128235.

Allele frequency attached by ClinVar (database versions not stated): gnomAD exomes below 0.00001; TOPMed below 0.00001; gnomAD 0.00001.
gnomAD v4.1: 2 of 1,613,936 alleles (0.00012%); highest among the groups gnomAD compares: Non-Finnish European, 0.00017%; no homozygotes.

Submissions (2):

Labcorp Genetics (formerly Invitae), Labcorp
Classification: Likely pathogenic for Dystonia 12. Last evaluated: 2023-05-05. Review status: criteria provided, single submitter. Criteria: Invitae Variant Classification Sherloc (09022015). Collection method: clinical testing. Allele origin: germline.
Comment: This sequence change replaces isoleucine, which is neutral and non-polar, with valine, which is neutral and non-polar, at codon 810 of the ATP1A3 protein (p.Ile810Val). This variant is not present in population databases (gnomAD no frequency). This missense change has been observed in individual(s) with clinical features of ATP1A3-related conditions (Invitae). ClinVar contains an entry for this variant (Variation ID: 1878723). Advanced modeling of protein sequence and biophysical properties (such as structural, functional, and spatial information, amino acid conservation, physicochemical variation, residue mobility, and thermodynamic stability) performed at Invitae indicates that this missense variant is expected to disrupt ATP1A3 protein function. This variant disrupts the p.Ile810 amino acid residue in ATP1A3. Other variant(s) that disrupt this residue have been observed in individuals with ATP1A3-related conditions (PMID: 22842232, 24523486, 24842602), which suggests that this may be a clinically significant amino acid residue. In summary, the currently available evidence indicates that the variant is pathogenic, but additional data are needed to prove that conclusively. Therefore, this variant has been classified as Likely Pathogenic.

GeneDx
Classification: Uncertain significance. Last evaluated: 2022-07-08. Review status: criteria provided, single submitter. Criteria: GeneDx Variant Classification Process June 2021. Collection method: clinical testing. Allele origin: germline. Affected: yes.
Comment: Not observed at significant frequency in large population cohorts (gnomAD); In silico analysis supports that this missense variant does not alter protein structure/function; Has not been previously published as pathogenic or benign to our knowledge

Literature cited by the submitters: PubMed 22842232 (cited by Labcorp Genetics (formerly Invitae), Labcorp); PubMed 24523486 (cited by Labcorp Genetics (formerly Invitae), Labcorp); PubMed 24842602 (cited by Labcorp Genetics (formerly Invitae), Labcorp).

NM_152296.5(ATP1A3):c.2428A>G (p.Ile810Val)

Gene: ATP1A3 (ATPase Na+/K+ transporting subunit alpha 3; minus strand). Cytogenetic location: 19q13.2.
Variant type: single nucleotide variant.
Coding change: c.2428A>G on transcript NM_152296.5 (MANE Select); coding-DNA position 2428, A replaced by G.
Protein change: p.Ile810Val; replaces isoleucine 810 with valine.
Molecular consequence: missense variant.
Genome position (GRCh38, 1-based): chr19:41,970,299, T>C on the plus strand (A>G on the coding strand, the complement: ATP1A3 is on the minus strand). VCF-style: chr19-41970299-T-C. GRCh37 (hg19) VCF-style: chr19-42474451-T-C.
Other names: c.2461A>G, p.Ile821Val (NM_001256213.2); c.2467A>G, p.Ile823Val (NM_001256214.2); short protein forms I810V, I821V, I823V.
Identifiers: ClinVar variation 1878723 (VCV001878723.4), dbSNP rs606231440, ClinGen allele CA406039036.